The following is an entry in ClinVar:

ClinVar aggregate classification (germline): Uncertain significance. Review status: criteria provided, multiple submitters, no conflicts (2 of 4 stars). 3 submissions from 3 submitters: Uncertain significance (3). Last evaluated 2025-11-06.

Conditions:
Malignant hyperthermia, susceptibility to, 1 (MHS1). Also called: Anesthesia related hyperthermia; Malignant hyperpyrexia; Fulminating hyperpyrexia; Pharmacogenic myopathy; RYR1-Related Malignant Hyperthermia Susceptibility; Malignant hyperthermia suceptibility 1. Identifiers: Orphanet 423, MedGen C2930980, MONDO:0007783, OMIM 145600.
RYR1-related disorder. Also called: RYR1-related condition; RYR1-related disorders. Identifiers: MedGen CN239331.

Allele frequency attached by ClinVar (database versions not stated): gnomAD 0.00001.
gnomAD v4.1: 1 of 1,614,082 alleles (0.000062%); highest among the groups gnomAD compares: Non-Finnish European, 0.000085%; no homozygotes.

Submissions (3):

Labcorp Genetics (formerly Invitae), Labcorp
Classification: Uncertain significance for RYR1-related disorder. Last evaluated: 2025-11-06. Review status: criteria provided, single submitter. Criteria: Invitae Variant Classification Sherloc (09022015). Collection method: clinical testing. Allele origin: germline.
Comment: This sequence change replaces histidine, which is basic and polar, with tyrosine, which is neutral and polar, at codon 3311 of the RYR1 protein (p.His3311Tyr). This variant is not present in population databases (gnomAD no frequency). This variant has not been reported in the literature in individuals affected with RYR1-related conditions. ClinVar contains an entry for this variant (Variation ID: 3075014). Invitae Evidence Modeling of protein sequence and biophysical properties (such as structural, functional, and spatial information, amino acid conservation, physicochemical variation, residue mobility, and thermodynamic stability) indicates that this missense variant is expected to disrupt RYR1 protein function with a positive predictive value of 80%. In summary, the available evidence is currently insufficient to determine the role of this variant in disease. Therefore, it has been classified as a Variant of Uncertain Significance.

Color Diagnostics, LLC DBA Color Health
Classification: Uncertain significance for Malignant hyperthermia, susceptibility to, 1. Last evaluated: 2024-05-07. Review status: criteria provided, single submitter. Criteria: ACMG Guidelines, 2015. Collection method: clinical testing. Allele origin: germline.
Comment: This missense variant replaces histidine with tyrosine at codon 3311 of the RYR1 protein. Computational prediction suggests that this variant may have deleterious impact on protein structure and function. To our knowledge, functional studies have not been reported for this variant. This variant has not been reported in individuals affected with RYR1-related disorders in the literature. This variant has not been identified in the general population by the Genome Aggregation Database (gnomAD). The available evidence is insufficient to determine the role of this variant in disease conclusively. Therefore, this variant is classified as a Variant of Uncertain Significance.

All of Us Research Program, National Institutes of Health
Classification: Uncertain significance for Malignant hyperthermia, susceptibility to, 1. Last evaluated: 2024-01-11. Review status: criteria provided, single submitter. Criteria: ACMG Guidelines, 2015. Collection method: clinical testing. Allele origin: germline. Inheritance: Autosomal dominant inheritance. Observed: 1 variant allele, 1 heterozygote.
Comment: This study involves interpretation of variants in research participants for the purpose of population health screening. Participant phenotype was not available at the time of variant classification. Additional details can be found in publication PMID: 35346344, PMCID: PMC8962531

NM_000540.3(RYR1):c.9931C>T (p.His3311Tyr)

Gene: RYR1 (ryanodine receptor 1; plus strand). Cytogenetic location: 19q13.2.
Variant type: single nucleotide variant.
Coding change: c.9931C>T on transcript NM_000540.3 (MANE Select); coding-DNA position 9931, C replaced by T.
Protein change: p.His3311Tyr; replaces histidine 3311 with tyrosine.
Molecular consequence: missense variant.
Genome position (GRCh38, 1-based): chr19:38,517,604, C>T. VCF-style: chr19-38517604-C-T. GRCh37 (hg19) VCF-style: chr19-39008244-C-T.
Other names: c.9931C>T, p.His3311Tyr (NM_001042723.2); short protein forms H3311Y.
Identifiers: ClinVar variation 3075014 (VCV003075014.2), dbSNP rs933803065, ClinGen allele CA308129961.